The following is an entry in ClinVar:

NM_001267550.2(TTN):c.90041G>A (p.Gly30014Glu)

Genes: TTN (titin; minus strand), TTN-AS1 (TTN antisense RNA 1; plus strand). Cytogenetic location: 2q31.2.
Variant type: single nucleotide variant.
Coding change: c.90041G>A on transcript NM_001267550.2 (MANE Select); coding-DNA position 90041, G replaced by A.
Protein change: p.Gly30014Glu; replaces glycine 30014 with glutamic acid.
Molecular consequence: missense variant.
Genome position (GRCh38, 1-based): chr2:178,552,859, C>T on the plus strand (G>A on the coding strand, the complement: TTN is on the minus strand). VCF-style: chr2-178552859-C-T. GRCh37 (hg19) VCF-style: chr2-179417586-C-T.
Other names: c.85118G>A, p.Gly28373Glu (NM_001256850.1); c.62846G>A, p.Gly20949Glu (NM_003319.4); c.82337G>A, p.Gly27446Glu (NM_133378.4); c.63221G>A, p.Gly21074Glu (NM_133432.3); c.63422G>A, p.Gly21141Glu (NM_133437.4); c.90041G>A (NM_001267550.1); short protein forms G30014E, G21074E, G27446E, G21141E, G20949E, G28373E.
Identifiers: ClinVar variation 467627 (VCV000467627.6), dbSNP rs1359003253, ClinGen allele CA349514092.

ClinVar aggregate classification (germline): Uncertain significance. Review status: criteria provided, multiple submitters, no conflicts (2 of 4 stars). 3 submissions from 3 submitters: Uncertain significance (3). Last evaluated 2024-10-03.

Conditions:
Autosomal recessive limb-girdle muscular dystrophy type 2J (LGMDR10). Also called: Limb-girdle muscular dystrophy, type 2J; MUSCULAR DYSTROPHY, LIMB-GIRDLE, AUTOSOMAL RECESSIVE 10. Identifiers: Orphanet 140922, MedGen C1837342, MONDO:0012127, OMIM 608807.
Dilated cardiomyopathy 1G (CMD1G). Identifiers: Orphanet 154, MedGen C1858763, MONDO:0011400, OMIM 604145.
Cardiomyopathy (CMYO). Also called: Cardiomyopathies. Identifiers: Orphanet 167848, MedGen C0878544, MONDO:0004994, HP:0001638. Inheritance: Various modes of inheritance.

Allele frequency attached by ClinVar (database versions not stated): gnomAD exomes 0.00001 and 0.00002; TOPMed 0.00002.
gnomAD v4.1: 33 of 1,613,812 alleles (0.002%); highest among the groups gnomAD compares: Non-Finnish European, 0.0027%; no homozygotes.

Submissions (3):

GeneDx
Classification: Uncertain significance. Last evaluated: 2024-10-03. Review status: criteria provided, single submitter. Criteria: GeneDx Variant Classification Process June 2021. Collection method: clinical testing. Allele origin: germline. Affected: yes.
Comment: Not observed at significant frequency in large population cohorts (gnomAD); Missense variant in a gene in which most reported pathogenic variants are truncating/loss of function; Has not been previously published as pathogenic or benign to our knowledge

CHEO Genetics Diagnostic Laboratory, Children's Hospital of Eastern Ontario
Classification: Uncertain significance for Cardiomyopathy. Last evaluated: 2018-03-12. Review status: criteria provided, single submitter. Criteria: ACMG Guidelines, 2015. Collection method: clinical testing. Allele origin: germline.

Labcorp Genetics (formerly Invitae), Labcorp
Classification: Uncertain significance for Dilated cardiomyopathy 1G; Autosomal recessive limb-girdle muscular dystrophy type 2J. Last evaluated: 2018-01-02. Review status: criteria provided, single submitter. Criteria: Invitae Variant Classification Sherloc (09022015). Collection method: clinical testing. Allele origin: germline.